The following is an entry in ClinVar:

ClinVar aggregate classification (germline): Pathogenic. Review status: criteria provided, multiple submitters, no conflicts (2 of 4 stars). 2 submissions from 2 submitters: Pathogenic (2). Last evaluated 2025-04-03.

Conditions:
Hereditary cancer-predisposing syndrome. Also called: Tumor predisposition; Hereditary neoplastic syndrome; Neoplastic Syndromes, Hereditary; Hereditary Cancer Syndrome. Identifiers: Orphanet 140162, MedGen C0027672, MeSH D009386, MONDO:0015356.
Hereditary nonpolyposis colorectal neoplasms. Identifiers: MedGen C0009405, MeSH D003123.

Submissions (2):

Ambry Genetics
Classification: Pathogenic for Hereditary cancer-predisposing syndrome. Last evaluated: 2025-04-03. Review status: criteria provided, single submitter. Criteria: Ambry Variant Classification Scheme 2023. Collection method: clinical testing. Allele origin: germline.
Comment: The c.3531_3538delTGGTGCCT pathogenic mutation, located in coding exon 6 of the MSH6 gene, results from a deletion of 8 nucleotides at nucleotide positions 3531 to 3538, causing a translational frameshift with a predicted alternate stop codon (p.G1178Rfs*7). This variant is considered to be rare based on population cohorts in the Genome Aggregation Database (gnomAD). This alteration is expected to result in loss of function by premature protein truncation or nonsense-mediated mRNA decay. As such, this alteration is interpreted as a disease-causing mutation.

Labcorp Genetics (formerly Invitae), Labcorp
Classification: Pathogenic for Hereditary nonpolyposis colorectal neoplasms. Last evaluated: 2022-03-26. Review status: criteria provided, single submitter. Criteria: Invitae Variant Classification Sherloc (09022015). Collection method: clinical testing. Allele origin: germline.
Comment: For these reasons, this variant has been classified as Pathogenic. ClinVar contains an entry for this variant (Variation ID: 1072255). This variant has not been reported in the literature in individuals affected with MSH6-related conditions. This variant is not present in population databases (gnomAD no frequency). This sequence change creates a premature translational stop signal (p.Gly1178Argfs*7) in the MSH6 gene. It is expected to result in an absent or disrupted protein product. Loss-of-function variants in MSH6 are known to be pathogenic (PMID: 18269114, 24362816).

Literature cited by the submitters: PubMed 18269114 (cited by Labcorp Genetics (formerly Invitae), Labcorp); PubMed 24362816 (cited by Labcorp Genetics (formerly Invitae), Labcorp).

NM_000179.3(MSH6):c.3531_3538del (p.Gly1178fs)

Gene: MSH6 (mutS homolog 6; plus strand). Cytogenetic location: 2p16.3.
Variant type: Deletion.
Coding change: c.3531_3538del on transcript NM_000179.3 (MANE Select); coding-DNA positions 3531 to 3538, 8 bases deleted (TGGTGCCT; older notation c.3531_3538delTGGTGCCT).
Protein change: p.Gly1178fs; shifts the reading frame from glycine 1178.
Molecular consequence: frameshift variant.
Genome position (GRCh38, 1-based): chr2:47,805,002-47,805,009, TGGTGCCT deleted; deleting any 8 consecutive bases within chr2:47,805,000-47,805,009 gives the same sequence; the c. name uses the placement nearest the transcript's 3' end. VCF-style (leftmost placement, unchanged base first): chr2-47804999-ACTTGGTGC-A. GRCh37 (hg19) VCF-style: chr2-48032138-ACTTGGTGC-A.
Other names: c.3141_3148del, p.Gly1048fs (NM_001281492.2); c.2625_2632del, p.Gly876fs (NM_001281493.2, NM_001281494.2); short protein forms G1048fs, G1178fs, G876fs.
Identifiers: ClinVar variation 1072255 (VCV001072255.10), dbSNP rs2104509127, ClinGen allele CA2499216130.
Genomic context (GRCh38, chr2:47,804,999, plus strand): 5'-GGGTTGTTACGTCCCTGCTGAAGTGTGCAGGCTCACACCAATTGATAGAGTGTTTACTAG[ACTTGGTGC>A]CTCAGACAGAATAATGTCAGGTGAGTTTTTTGTTTCCCACTTAAGTTCTCATTCAGTCAT-3'